The following is an entry in ClinVar:

NM_005251.3(FOXC2):c.775C>A (p.His259Asn)

Gene: FOXC2 (forkhead box C2; plus strand). Cytogenetic location: 16q24.1.
Variant type: single nucleotide variant.
Coding change: c.775C>A on transcript NM_005251.3 (MANE Select); coding-DNA position 775, C replaced by A.
Protein change: p.His259Asn; replaces histidine 259 with asparagine.
Molecular consequence: missense variant.
Genome position (GRCh38, 1-based): chr16:86,568,110, C>A. VCF-style: chr16-86568110-C-A. GRCh37 (hg19) VCF-style: chr16-86601716-C-A.
Other names: short protein forms H259N.
Identifiers: ClinVar variation 2825943 (VCV002825943.3), dbSNP rs2507945280, ClinGen allele CA397008431.

ClinVar aggregate classification (germline): Uncertain significance (1 of 4 stars; one submission).

Submission:

Labcorp Genetics (formerly Invitae), Labcorp
Classification: Uncertain significance. Last evaluated: 2023-01-02. Review status: criteria provided, single submitter. Criteria: Invitae Variant Classification Sherloc (09022015). Collection method: clinical testing. Allele origin: germline.
Comment: This sequence change replaces histidine, which is basic and polar, with asparagine, which is neutral and polar, at codon 259 of the FOXC2 protein (p.His259Asn). This variant is not present in population databases (gnomAD no frequency). This variant has not been reported in the literature in individuals affected with FOXC2-related conditions. Algorithms developed to predict the effect of missense changes on protein structure and function (SIFT, PolyPhen-2, Align-GVGD) all suggest that this variant is likely to be tolerated. In summary, the available evidence is currently insufficient to determine the role of this variant in disease. Therefore, it has been classified as a Variant of Uncertain Significance.